The following is an entry in ClinVar:

ClinVar aggregate classification (germline): Likely pathogenic (1 of 4 stars; one submission).

Conditions:
Ellis-van Creveld syndrome (EVC). Also called: EVC-Related Ellis-van Creveld Syndrome; EVC2-Related Ellis-van Creveld Syndrome; MESOECTODERMAL DYSPLASIA; Chondroectodermal dysplasia. Identifiers: Orphanet 289, MedGen C0013903, MONDO:0009162, OMIM 225500.

Submission:

Myriad Genetics, Inc.
Classification: Likely pathogenic for Ellis-van Creveld syndrome. Last evaluated: 2022-01-24. Review status: criteria provided, single submitter. Criteria: Myriad Women's Health Autosomal Recessive and X-Linked Classification Criteria (2021). Collection method: clinical testing. Allele origin: unknown.
Comment: NM_153717.2(EVC):c.1081_1083delCAGinsA(Q361Rfs*22) is expected to be pathogenic in the context of EVC-related Ellis-van Creveld syndrome. This variant is predicted to lead to an abnormal or absent protein product due to the creation of a premature termination codon in EVC, a gene where loss-of-function variants are known to be pathogenic. Please note: this variant was assessed in the context of healthy population screening.

NM_153717.3(EVC):c.1081_1083delinsA (p.Gln361fs)

Gene: EVC (EvC ciliary complex subunit 1; plus strand). Cytogenetic location: 4p16.2.
Variant type: Indel.
Coding change: c.1081_1083delinsA on transcript NM_153717.3 (MANE Select); coding-DNA positions 1081 to 1083, CAG replaced by A.
Protein change: p.Gln361fs; shifts the reading frame from glutamine 361.
Molecular consequence: frameshift variant.
Genome position (GRCh38, 1-based): chr4:5,748,289-5,748,291, CAG replaced by A. VCF-style: chr4-5748289-CAG-A. GRCh37 (hg19) VCF-style: chr4-5750016-CAG-A.
Other names: c.1081_1083delinsA, p.Gln361fs (NM_001306090.2, NM_001306092.2); short protein forms Q361fs.
Identifiers: ClinVar variation 1724044 (VCV001724044.2), dbSNP rs2475165491, ClinGen allele CA2580070812.
Genomic context (GRCh38, chr4:5,748,289, plus strand): 5'-CAGCTGATGATGACTCTGACGGAAAGAATGATTGCAGCCGAAGGGCTATTGTGCGATTCT[CAG>A]GAGCTGCAGGCTCTGGTAATGCTGGAGGGGGCGGGAGGGAACATAAAGATATTCAGACTA-3'